The following is an entry in ClinVar:

ClinVar aggregate classification (germline): Likely benign. Review status: criteria provided, multiple submitters, no conflicts (2 of 4 stars). 3 submissions from 3 submitters: Likely benign (3). Last evaluated 2025-08-31.

Conditions:
UBR1-related disorder. Also called: UBR1-related condition.

Allele frequency attached by ClinVar (database versions not stated): gnomAD exomes 0.00014 and 0.00029; gnomAD 0.00023; TOPMed 0.00025; ExAC 0.00029.
gnomAD v4.1: 250 of 1,613,472 alleles (0.015%); highest among the groups gnomAD compares: Middle Eastern, 0.46%; 2 homozygotes.

Submissions (3):

Labcorp Genetics (formerly Invitae), Labcorp
Classification: Likely benign. Last evaluated: 2025-08-31. Review status: criteria provided, single submitter. Criteria: Invitae Variant Classification Sherloc (09022015). Collection method: clinical testing. Allele origin: germline.

PreventionGenetics, part of Exact Sciences
Classification: Likely benign for UBR1-related condition. Last evaluated: 2024-10-23. Review status: criteria provided, single submitter. Criteria: ACMG Guidelines, 2015. Collection method: clinical testing. Allele origin: germline.
Comment: This variant is classified as likely benign based on ACMG/AMP sequence variant interpretation guidelines (Richards et al. 2015 PMID: 25741868, with internal and published modifications).

Breakthrough Genomics
Classification: Likely benign. Review status: criteria provided, single submitter. Criteria: ACMG Guidelines, 2015. Collection method: not provided. Allele origin: germline. Inheritance: Autosomal recessive inheritance. Affected: yes.

NM_174916.3(UBR1):c.410G>A (p.Arg137His)

Gene: UBR1 (ubiquitin protein ligase E3 component n-recognin 1; minus strand). Cytogenetic location: 15q15.2.
Variant type: single nucleotide variant.
Coding change: c.410G>A on transcript NM_174916.3 (MANE Select); coding-DNA position 410, G replaced by A.
Protein change: p.Arg137His; replaces arginine 137 with histidine.
Molecular consequence: missense variant.
Genome position (GRCh38, 1-based): chr15:43,082,645, C>T on the plus strand (G>A on the coding strand, the complement: UBR1 is on the minus strand). VCF-style: chr15-43082645-C-T. GRCh37 (hg19) VCF-style: chr15-43374843-C-T.
Other names: short protein forms R137H.
Identifiers: ClinVar variation 758878 (VCV000758878.11), dbSNP rs201509699, ClinGen allele CA7519038.